The following continues an entry in ClinVar:

NM_000038.6(APC):c.3479C>A (p.Thr1160Lys)

Gene: APC. ClinVar aggregate classification (germline): Conflicting classifications of pathogenicity. Uncertain significance (7); Benign (1); Likely benign (11).

Submissions 17 to 22 of 22:

Mendelics
Classification: Benign for Familial adenomatous polyposis 1. Last evaluated: 2019-05-28. Review status: criteria provided, single submitter. Criteria: Mendelics Assertion Criteria 2017. Collection method: clinical testing. Allele origin: unknown.

Ambry Genetics
Classification: Likely benign for Hereditary cancer-predisposing syndrome. Last evaluated: 2018-11-29. Review status: criteria provided, single submitter. Criteria: Ambry Variant Classification Scheme 2023. Collection method: clinical testing. Allele origin: germline.

Laboratory for Molecular Medicine, Mass General Brigham Personalized Medicine
Classification: Uncertain significance. Last evaluated: 2017-01-24. Review status: criteria provided, single submitter. Criteria: LMM Criteria. Collection method: clinical testing. Allele origin: germline.
Comment: Variant identified in a genome or exome case(s) and assessed due to predicted null impact of the variant or pathogenic assertions in the literature or databases. Disclaimer: This variant has not undergone full assessment. The following are preliminary notes: This variant is classified as DM in HGMD - it has been seen in one patient with colorectal adenoma and one unaffected patient. It has been classified with 1 star as VUS by 4 sumitters (GeneDx, Invitae, CSER_CC_NCGL, Biesecker lab) and Likely benign by 1 (Ambry). MaxMAF is 0.02% in ExAC (high for disease prevalence).

Counsyl
Classification: Uncertain significance for Familial adenomatous polyposis 1. Last evaluated: 2015-11-24. Review status: no assertion criteria provided. Collection method: clinical testing. Allele origin: unknown. Not counted in ClinVar's aggregate classification.

CSER _CC_NCGL, University of Washington
Classification: Uncertain significance for Colorectal adenoma. Last evaluated: 2014-06-01. Review status: no assertion criteria provided. Collection method: research. Allele origin: germline. Inheritance: Autosomal dominant inheritance. Study: ESP 6500 variant annotation. Not counted in ClinVar's aggregate classification.
Comment: Variants classified for the Actionable exomic incidental findings in 6503 participants: challenges of variant classification manuscript

Biesecker Lab/Clinical Genomics Section, National Institutes of Health
Classification: Uncertain significance. Last evaluated: 2012-07-13. Review status: no assertion criteria provided. Collection method: research. Allele origin: germline. Affected: no. Observed: 1 variant allele. Study: ClinSeq. Not counted in ClinVar's aggregate classification.
ClinVar note: Converted during submission from variant of unknown significance to Uncertain significance.

Literature cited by the submitters: PubMed 18199528 (cited by 7 submitters); PubMed 26580448 (cited by Women's Health and Genetics/Laboratory Corporation of America, LabCorp); PubMed 29212164 (cited by 5 submitters); PubMed 35128723 (cited by 4 submitters); PubMed 25637381 (cited by All of Us Research Program, National Institutes of Health and Quest Diagnostics Nichols Institute San Juan Capistrano); PubMed 28873162 (cited by 3 submitters); PubMed 29684080 (cited by All of Us Research Program, National Institutes of Health); PubMed 21859464 (cited by Quest Diagnostics Nichols Institute San Juan Capistrano); PubMed 29674080 (cited by Department of Pathology and Laboratory Medicine, Sinai Health System).